The following is an entry in ClinVar:

ClinVar aggregate classification (germline): Uncertain significance (1 of 4 stars; one submission).

Conditions:
Cohen syndrome (COH1). Also called: PEPPER SYNDROME; Cutis verticis gyrata, retinitis pigmentosa, and sensorineural deafness. Identifiers: Orphanet 193, MedGen C0265223, MONDO:0008999, OMIM 216550.

gnomAD v4.1: 8 of 1,614,178 alleles (0.0005%); highest among the groups gnomAD compares: Admixed American, 0.013%; no homozygotes.

Submission:

Labcorp Genetics (formerly Invitae), Labcorp
Classification: Uncertain significance for Cohen syndrome. Last evaluated: 2022-10-13. Review status: criteria provided, single submitter. Criteria: Invitae Variant Classification Sherloc (09022015). Collection method: clinical testing. Allele origin: germline.
Comment: This sequence change replaces asparagine, which is neutral and polar, with lysine, which is basic and polar, at codon 3954 of the VPS13B protein (p.Asn3954Lys). This variant is present in population databases (rs147710096, gnomAD 0.03%). This variant has not been reported in the literature in individuals affected with VPS13B-related conditions. Advanced modeling of protein sequence and biophysical properties (such as structural, functional, and spatial information, amino acid conservation, physicochemical variation, residue mobility, and thermodynamic stability) performed at Invitae indicates that this missense variant is not expected to disrupt VPS13B protein function. In summary, the available evidence is currently insufficient to determine the role of this variant in disease. Therefore, it has been classified as a Variant of Uncertain Significance.

NM_152564.5(VPS13B):c.11787C>G (p.Asn3929Lys)

Gene: VPS13B (vacuolar protein sorting 13 homolog B; plus strand). Cytogenetic location: 8q22.2.
Variant type: single nucleotide variant.
Coding change: c.11787C>G on transcript NM_152564.5 (MANE Select); coding-DNA position 11787, C replaced by G.
Protein change: p.Asn3929Lys; replaces asparagine 3929 with lysine.
Molecular consequence: missense variant.
Genome position (GRCh38, 1-based): chr8:99,875,459, C>G. VCF-style: chr8-99875459-C-G. GRCh37 (hg19) VCF-style: chr8-100887687-C-G.
Other names: c.11862C>G, p.Asn3954Lys (NM_017890.5); short protein forms N3929K, N3954K.
Identifiers: ClinVar variation 2415666 (VCV002415666.3), dbSNP rs147710096, ClinGen allele CA4825347.